The following is an entry in ClinVar:

NM_003301.7(TRHR):c.767G>T (p.Ser256Ile)

Gene: TRHR (thyrotropin releasing hormone receptor; plus strand). Cytogenetic location: 8q23.1.
Variant type: single nucleotide variant.
Coding change: c.767G>T on transcript NM_003301.7 (MANE Select); coding-DNA position 767, G replaced by T.
Protein change: p.Ser256Ile; replaces serine 256 with isoleucine.
Molecular consequence: missense variant.
Genome position (GRCh38, 1-based): chr8:109,088,279, G>T. VCF-style: chr8-109088279-G-T. GRCh37 (hg19) VCF-style: chr8-110100508-G-T.
Other names: short protein forms S256I.
Identifiers: ClinVar variation 3900832 (VCV003900832.1).

ClinVar aggregate classification (germline): Uncertain significance (1 of 4 stars; one submission).

Submission:

GeneDx
Classification: Uncertain significance. Last evaluated: 2024-11-27. Review status: criteria provided, single submitter. Criteria: GeneDx Variant Classification Process June 2021. Collection method: clinical testing. Allele origin: germline. Affected: yes.
Comment: Not observed at significant frequency in large population cohorts (gnomAD); In silico analysis supports that this missense variant has a deleterious effect on protein structure/function; Has not been previously published as pathogenic or benign to our knowledge